The following is an entry in ClinVar:

ClinVar aggregate classification (germline): Uncertain significance (1 of 4 stars; one submission).

Submission:

GeneDx
Classification: Uncertain significance. Last evaluated: 2025-06-09. Review status: criteria provided, single submitter. Criteria: GeneDx Variant Classification Process June 2021. Collection method: clinical testing. Allele origin: germline. Affected: yes.
Comment: Not observed at significant frequency in large population cohorts (gnomAD); In silico analysis supports that this missense variant has a deleterious effect on protein structure/function; Has not been previously published as pathogenic or benign to our knowledge

NM_004415.4(DSP):c.2886G>T (p.Glu962Asp)

Gene: DSP (desmoplakin; plus strand). Cytogenetic location: 6p24.3.
Variant type: single nucleotide variant.
Coding change: c.2886G>T on transcript NM_004415.4 (MANE Select); coding-DNA position 2886, G replaced by T.
Protein change: p.Glu962Asp; replaces glutamic acid 962 with aspartic acid.
Molecular consequence: missense variant.
Genome position (GRCh38, 1-based): chr6:7,577,787, G>T. VCF-style: chr6-7577787-G-T. GRCh37 (hg19) VCF-style: chr6-7578020-G-T.
Other names: c.2886G>T, p.Glu962Asp (NM_001008844.3, NM_001319034.2); short protein forms E962D.
Identifiers: ClinVar variation 4538071 (VCV004538071.1).